The following is an entry in ClinVar:

NM_004004.6(GJB2):c.56G>C (p.Ser19Thr)

Gene: GJB2 (gap junction protein beta 2; minus strand). Cytogenetic location: 13q12.11.
Variant type: single nucleotide variant.
Coding change: c.56G>C on transcript NM_004004.6 (MANE Select); coding-DNA position 56, G replaced by C.
Protein change: p.Ser19Thr; replaces serine 19 with threonine.
Molecular consequence: missense variant.
Genome position (GRCh38, 1-based): chr13:20,189,526, C>G on the plus strand (G>C on the coding strand, the complement: GJB2 is on the minus strand). VCF-style: chr13-20189526-C-G. GRCh37 (hg19) VCF-style: chr13-20763665-C-G.
Other names: NM_004004.5(GJB2):c.56G>C; NM_004004.6(GJB2):c.56G>C; short protein forms S19T.
Identifiers: ClinVar variation 21389 (VCV000021389.28), dbSNP rs80338941, ClinGen allele CA342005.

ClinVar aggregate classification (germline): Pathogenic. Review status: reviewed by expert panel (3 of 4 stars). 11 submissions from 11 submitters: Pathogenic (1). 10 of the submissions do not count toward it. Last evaluated 2024-01-03.

Conditions:
Rare genetic deafness. Identifiers: Orphanet 96210, MedGen C5680250.
Hearing loss. Identifiers: MedGen C3887873.
Nonsyndromic genetic hearing loss. Also called: Nonsyndromic hearing loss and deafness; Non-syndromic genetic deafness; Nonsyndromic genetic deafness. Identifiers: Orphanet 87884, MedGen C5680182, MONDO:0019497.
Autosomal recessive nonsyndromic hearing loss 1A (DFNB1A). Also called: Deafness, autosomal recessive 1A; Nonsyndromic Hearing Loss and Deafness, DFNB1; GJB2-Related Autosomal Recessive Nonsyndromic Hearing Loss; GJB6-Related DFNB 1 Nonsyndromic Hearing Loss and Deafness; Connexin 26 deafness; Deafness nonsyndromic, Connexin 26 linked. Identifiers: Orphanet 90636, MedGen C2673759, MONDO:0009076, OMIM 220290.

gnomAD v4.1: 22 of 1,614,142 alleles (0.0014%); highest among the groups gnomAD compares: Non-Finnish European, 0.0016%; no homozygotes.

Submissions 1 to 6 of 11:

ClinGen Hearing Loss Variant Curation Expert Panel
Classification: Pathogenic for Nonsyndromic genetic hearing loss. Last evaluated: 2024-01-03. Review status: reviewed by expert panel. Criteria: Clingen Hl Acmg Specifications Cdh23 Coch Gjb2 Kcnq4 Myo6 Myo7a Slc26a4 Tecta Ush2a V2. Collection method: curation. Allele origin: germline. Inheritance: Autosomal recessive inheritance.
Comment: The variant NM_004004.6:c.56G>C in GJB2 is a missense variant predicted to cause substitution of serine by threonine at amino acid 19 (p.Ser19Thr). The highest filtering allele frequency in gnomAD v4 is 0.00111% (19/1111946 CI 95%) in the non-Finnish European population (PM2_Supporting). This variant has been detected in 5 probands with hearing loss. For 4 of those probands, a pathogenic or suspected-pathogenic variants was observed in trans (PM3_VeryStrong; PMIDs: 16077952, 26553399, 10982180, 15146474, Partners Laboratory for Molecular Medicine internal data). Of note, 1 proband was compound-heterozygous for Ser19Thr with c.35delG and also carried Arg32Ser in cis; another proband had Ser19Thr, Arg32Ser and E47* in unspecified zygosity though it is assumed that Ser19Thr and Arg32Ser were in cis based on prior observation. These cases were not counted towards PM3 because contribution of the Arg32Ser variant can not be ruled out. The p.Ser19Thr variant has been reported to segregate with hearing loss in one affected family member (PP1, PMID: 16077952). A functional study has shown that p.Ser19Thr impacts protein function (PS3_Moderate; PMID: 12176036). In summary, this variant meets the criteria to be classified as pathogenic for autosomal recessive nonsyndromic sensorineural hearing loss, based on the ACMG/AMP criteria applied, as specified by the ClinGen Hearing Loss VCEP: PM3_VeryStrong, PS3_Moderate, PM2_Supporting, PP1 (ClinGen Hearing Loss VCEP specifications version 2; 1/3/24).

Natera, Inc.
Classification: Likely pathogenic for Autosomal recessive deafness type 1A. Last evaluated: 2025-07-07. Review status: criteria provided, single submitter. Criteria: Natera Variant Classification Schema (03/2026). Collection method: clinical testing. Allele origin: germline. Not counted in ClinVar's aggregate classification.
Comment: The c.56G>C variant in GJB2 is a missense variant predicted to cause substitution of serine to threonine at amino acid 19. This variant is rare in the general population with a frequency below the threshold expected for the associated phenotype(s). This variant has been observed in one or more individuals affected with the associated recessive disease, as either homozygous or compound heterozygous with a second variant (PMID: 24158611, 16077952, 10982180). Additionally, this variant has been observed to segregate in affected family members (PMID: 16077952). This variant has been found together with another disease-causing variant in the same copy of the gene (PMID: 11445873). Functional studies show that this variant may disrupt protein function (PMID: 15592461, 12176036). Given the available evidence, this variant is classified as Likely Pathogenic.

Labcorp Genetics (formerly Invitae), Labcorp
Classification: Pathogenic. Last evaluated: 2024-08-21. Review status: criteria provided, single submitter. Criteria: Invitae Variant Classification Sherloc (09022015). Collection method: clinical testing. Allele origin: germline. Not counted in ClinVar's aggregate classification.
Comment: This sequence change replaces serine, which is neutral and polar, with threonine, which is neutral and polar, at codon 19 of the GJB2 protein (p.Ser19Thr). This variant is present in population databases (rs80338941, gnomAD 0.003%). This missense change has been observed in individuals with non-syndromic deafness (PMID: 10982180, 15146474, 16077952, 24158611). It has also been observed to segregate with disease in related individuals. ClinVar contains an entry for this variant (Variation ID: 21389). Invitae Evidence Modeling of protein sequence and biophysical properties (such as structural, functional, and spatial information, amino acid conservation, physicochemical variation, residue mobility, and thermodynamic stability) indicates that this missense variant is expected to disrupt GJB2 protein function with a positive predictive value of 95%. Experimental studies have shown that this missense change affects GJB2 function (PMID: 12176036). This variant disrupts the p.Ser19 amino acid residue in GJB2. Other variant(s) that disrupt this residue have been observed in individuals with GJB2-related conditions (PMID: 26188157), which suggests that this may be a clinically significant amino acid residue. For these reasons, this variant has been classified as Pathogenic.

Women's Health and Genetics/Laboratory Corporation of America, LabCorp
Classification: Likely pathogenic for Autosomal recessive nonsyndromic hearing loss 1A. Last evaluated: 2024-05-10. Review status: criteria provided, single submitter. Criteria: LabCorp Variant Classification Summary - May 2015. Collection method: clinical testing. Allele origin: germline. Not counted in ClinVar's aggregate classification.
Comment: Variant summary: GJB2 c.56G>C (p.Ser19Thr) results in a conservative amino acid change located in the Connexin, N-terminal (IPR013092) of the encoded protein sequence. Three of five in-silico tools predict a benign effect of the variant on protein function. The variant allele was found at a frequency of 1.2e-05 in 249778 control chromosomes (gnomAD). c.56G>C has been reported in the literature in individuals affected with Autosomal Recessive Hearing Loss (examples: Gangarossa_2005, Buonfiglio_2020). These data indicate that the variant may be associated with disease. At least one publication reports experimental evidence that this variant affects the normal function of the protein (DAndrea_2002). The following publications have been ascertained in the context of this evaluation (PMID: 16077952, 33096615, 12176036). ClinVar contains an entry for this variant (Variation ID: 21389). Based on the evidence outlined above, the variant was classified as likely pathogenic.

GeneDx
Classification: Pathogenic. Last evaluated: 2023-01-13. Review status: criteria provided, single submitter. Criteria: GeneDx Variant Classification Process June 2021. Collection method: clinical testing. Allele origin: germline. Affected: yes. Not counted in ClinVar's aggregate classification.
Comment: Published functional studies demonstrate the p.S19T variant results in near total loss of function for gap-junction channels (D'Andrea et al., 2002); Observed multiple times with a pathogenic variant in unrelated patients in published literature, but it is not known whether the variants occurred on the same (in cis) or on different (in trans) chromosomes (Shen et al., 2019; Buonfiglio et al., 2020; Dalamon et al., 2013); In silico analysis supports that this missense variant does not alter protein structure/function; This variant is associated with the following publications: (PMID: 16077952, 26553399, 12176036, 33096615, 16380907, 35457072, 19230829, 11439000, 10982180, 19285578, 15070423, 25388846, 15146474, 24158611, 31160754, 16950989)

INGEBI, INGEBI / CONICET
Classification: Pathogenic for Nonsyndromic hearing loss and deafness. Last evaluated: 2020-08-21. Review status: criteria provided, single submitter. Criteria: ClinGen HL ACMG Specifications v1. Collection method: clinical testing. Allele origin: germline. Inheritance: Autosomal recessive inheritance. Affected: yes. Observed: 1 variant allele. Not counted in ClinVar's aggregate classification.
Comment: Based on ACMG/AMP guidelines and Hearing Loss Expert Panel specific criteria: the c.56G>C, p.Ser19Thr variant has been found only in European non-finish population with a filtering allele frequency of 0,00072% (3/112070 chromosomes with 95% CI) from gnomAD v2.1.1 database meeting PM2 criteria. This variant has been identified in trans with pathogenic variants in at least 4 individuals with hearing impairment (PMID: 10982180, 15146674,24158611,16077952) applying to PM3_VeryStrong criteria. Besides, p.Ser19Thr change in trans with p.Met34Thr variant segregated in two affected siblings (PMID:16077952), so PP1_Moderate rule applied. Functional analysis in HeLa cells demonstrated a deleterious effect of the variant since no dye transfer was observed in mutant (PMID: 12176036) applying to PS3_Moderate rule. Therefore, the c.56G>C variant meets criteria to be classified as pathogenic for autosomal recessive non-syndromic hearing loss (PM2, PM3_VeryStrong, PP1_Moderate and PS3_Moderate)